The following is an entry in ClinVar:

NM_000632.4(ITGAM):c.1083+5G>A

Gene: ITGAM (integrin subunit alpha M; plus strand). Cytogenetic location: 16p11.2.
Variant type: single nucleotide variant.
Coding change: c.1083+5G>A on transcript NM_000632.4 (MANE Select); 5 bases into the intron after coding-DNA position 1083, G replaced by A.
Molecular consequence: intron variant.
Genome position (GRCh38, 1-based): chr16:31,276,749, G>A. VCF-style: chr16-31276749-G-A. GRCh37 (hg19) VCF-style: chr16-31288070-G-A.
Other names: c.1083+5G>A (NM_001145808.2).
Identifiers: ClinVar variation 2956734 (VCV002956734.3), dbSNP rs751983717, ClinGen allele CA8025427.

ClinVar aggregate classification (germline): Uncertain significance (1 of 4 stars; one submission).

Allele frequency attached by ClinVar (database versions not stated): gnomAD exomes 0.00001; ExAC 0.00001.
gnomAD v4.1: 23 of 1,608,724 alleles (0.0014%); highest among the groups gnomAD compares: Non-Finnish European, 0.0019%; no homozygotes.

Submission:

Labcorp Genetics (formerly Invitae), Labcorp
Classification: Uncertain significance. Last evaluated: 2025-09-02. Review status: criteria provided, single submitter. Criteria: Invitae Variant Classification Sherloc (09022015). Collection method: clinical testing. Allele origin: germline.
Comment: This sequence change falls in intron 10 of the ITGAM gene. It does not directly change the encoded amino acid sequence of the ITGAM protein. It affects a nucleotide within the consensus splice site. This variant is not present in population databases (gnomAD no frequency). This variant has not been reported in the literature in individuals affected with ITGAM-related conditions. ClinVar contains an entry for this variant (Variation ID: 2956734). Variants that disrupt the consensus splice site are a relatively common cause of aberrant splicing (PMID: 17576681, 9536098). Algorithms developed to predict the effect of sequence changes on RNA splicing suggest that this variant may disrupt the consensus splice site. In summary, the available evidence is currently insufficient to determine the role of this variant in disease. Therefore, it has been classified as a Variant of Uncertain Significance.

Literature cited by the submitters: PubMed 17576681; PubMed 9536098.